The following is an entry in ClinVar:

ClinVar aggregate classification (germline): Uncertain significance. Review status: criteria provided, multiple submitters, no conflicts (2 of 4 stars). 2 submissions from 2 submitters: Uncertain significance (2). Last evaluated 2025-09-14.

Conditions:
RYR1-related disorder. Also called: RYR1-related condition; RYR1-related disorders. Identifiers: MedGen CN239331.
Malignant hyperthermia, susceptibility to, 1 (MHS1). Also called: RYR1-Related Malignant Hyperthermia Susceptibility; Anesthesia related hyperthermia; Malignant hyperpyrexia; Fulminating hyperpyrexia; Pharmacogenic myopathy; Malignant hyperthermia suceptibility 1. Identifiers: Orphanet 423, MedGen C2930980, MONDO:0007783, OMIM 145600.

gnomAD v4.1: 1 of 1,551,312 alleles (0.000064%); no homozygotes.

Submissions (2):

Labcorp Genetics (formerly Invitae), Labcorp
Classification: Uncertain significance for RYR1-related disorder. Last evaluated: 2025-09-14. Review status: criteria provided, single submitter. Criteria: Invitae Variant Classification Sherloc (09022015). Collection method: clinical testing. Allele origin: germline.
Comment: This sequence change replaces glutamic acid, which is acidic and polar, with aspartic acid, which is acidic and polar, at codon 1354 of the RYR1 protein (p.Glu1354Asp). This variant is not present in population databases (gnomAD no frequency). This variant has not been reported in the literature in individuals affected with RYR1-related conditions. ClinVar contains an entry for this variant (Variation ID: 3069414). Invitae Evidence Modeling of protein sequence and biophysical properties (such as structural, functional, and spatial information, amino acid conservation, physicochemical variation, residue mobility, and thermodynamic stability) indicates that this missense variant is not expected to disrupt RYR1 protein function with a negative predictive value of 95%. In summary, the available evidence is currently insufficient to determine the role of this variant in disease. Therefore, it has been classified as a Variant of Uncertain Significance.

All of Us Research Program, National Institutes of Health
Classification: Uncertain significance for Malignant hyperthermia, susceptibility to, 1. Last evaluated: 2023-02-10. Review status: criteria provided, single submitter. Criteria: ACMG Guidelines, 2015. Collection method: clinical testing. Allele origin: germline. Inheritance: Autosomal dominant inheritance. Observed: 1 variant allele, 1 heterozygote.
Comment: This study involves interpretation of variants in research participants for the purpose of population health screening. Participant phenotype was not available at the time of variant classification. Additional details can be found in publication PMID: 35346344, PMCID: PMC8962531

NM_000540.3(RYR1):c.4062G>C (p.Glu1354Asp)

Gene: RYR1 (ryanodine receptor 1; plus strand). Cytogenetic location: 19q13.2.
Variant type: single nucleotide variant.
Coding change: c.4062G>C on transcript NM_000540.3 (MANE Select); coding-DNA position 4062, G replaced by C.
Protein change: p.Glu1354Asp; replaces glutamic acid 1354 with aspartic acid.
Molecular consequence: missense variant.
Genome position (GRCh38, 1-based): chr19:38,473,673, G>C. VCF-style: chr19-38473673-G-C. GRCh37 (hg19) VCF-style: chr19-38964313-G-C.
Other names: c.4062G>C, p.Glu1354Asp (NM_001042723.2); short protein forms E1354D.
Identifiers: ClinVar variation 3069414 (VCV003069414.2), dbSNP rs1968555632, ClinGen allele CA405642878.